The following is an entry in ClinVar:

ClinVar aggregate classification (germline): Uncertain significance. Review status: criteria provided, multiple submitters, no conflicts (2 of 4 stars). 2 submissions from 2 submitters: Uncertain significance (2). Last evaluated 2024-07-29.

Conditions:
Cardiovascular phenotype. Identifiers: MedGen CN230736.
Dilated cardiomyopathy 1JJ (CMD1JJ). Identifiers: Orphanet 154, MedGen C3808935, MONDO:0014095, OMIM 615235.

Allele frequency attached by ClinVar (database versions not stated): ExAC 0.00001; gnomAD 0.00001; gnomAD exomes 0.00002; TOPMed 0.00002; ESP Exome Variant Server 0.00008.
gnomAD v4.1: 11 of 1,614,024 alleles (0.00068%); highest among the groups gnomAD compares: East Asian, 0.0022%; no homozygotes.

Submissions (2):

Labcorp Genetics (formerly Invitae), Labcorp
Classification: Uncertain significance for Dilated cardiomyopathy 1JJ. Last evaluated: 2024-07-29. Review status: criteria provided, single submitter. Criteria: Invitae Variant Classification Sherloc (09022015). Collection method: clinical testing. Allele origin: germline.
Comment: This sequence change replaces valine, which is neutral and non-polar, with methionine, which is neutral and non-polar, at codon 436 of the LAMA4 protein (p.Val436Met). This variant is present in population databases (rs371650107, gnomAD 0.007%). This variant has not been reported in the literature in individuals affected with LAMA4-related conditions. ClinVar contains an entry for this variant (Variation ID: 406150). An algorithm developed to predict the effect of missense changes on protein structure and function (PolyPhen-2) suggests that this variant is likely to be disruptive. In summary, the available evidence is currently insufficient to determine the role of this variant in disease. Therefore, it has been classified as a Variant of Uncertain Significance.

Ambry Genetics
Classification: Uncertain significance for Cardiovascular phenotype. Last evaluated: 2023-09-22. Review status: criteria provided, single submitter. Criteria: Ambry Variant Classification Scheme 2023. Collection method: clinical testing. Allele origin: germline.
Comment: The p.V436M variant (also known as c.1306G>A), located in coding exon 10 of the LAMA4 gene, results from a G to A substitution at nucleotide position 1306. The valine at codon 436 is replaced by methionine, an amino acid with highly similar properties. This variant was detected in a sudden infant death case; however, clinical details were limited, and additional cardiac variants were also detected (Campuzano O et al. Forensic Sci Int Genet., 2018 11;37:54-63). This amino acid position is well conserved in available vertebrate species. In addition, this alteration is predicted to be tolerated by in silico analysis. Since supporting evidence is limited at this time, the clinical significance of this alteration remains unclear.

Literature cited by the submitters: PubMed 30086531 (cited by Ambry Genetics).

NM_001105206.3(LAMA4):c.1327G>A (p.Val443Met)

Gene: LAMA4 (laminin subunit alpha 4; minus strand). Cytogenetic location: 6q21.
Variant type: single nucleotide variant.
Coding change: c.1327G>A on transcript NM_001105206.3 (MANE Select); coding-DNA position 1327, G replaced by A.
Protein change: p.Val443Met; replaces valine 443 with methionine.
Molecular consequence: missense variant.
Genome position (GRCh38, 1-based): chr6:112,175,343, C>T on the plus strand (G>A on the coding strand, the complement: LAMA4 is on the minus strand). VCF-style: chr6-112175343-C-T. GRCh37 (hg19) VCF-style: chr6-112496545-C-T.
Other names: c.1306G>A, p.Val436Met (NM_001105207.3, NM_002290.5); short protein forms V436M, V443M.
Identifiers: ClinVar variation 406150 (VCV000406150.12), dbSNP rs371650107, ClinGen allele CA3965811.
Genomic context (GRCh38, chr6:112,175,343, plus strand): 5'-CTGGGTCAGCTATGAGAGGAATACACCTACGTTCGTAAGCCTCATCTGCCTCCTCATCCA[C>T]GAGCTCCCGTTGGGTGAAAAATGGTTGACGGCTTCTAATCTCTTCAAGCATCTTCTGGGC-3'
Protein context (NP_001098676.2, residues 433-453): RQPFFTQREL[Val443Met]DEEADEAYEL